The following is an entry in ClinVar:

ClinVar aggregate classification (germline): Benign/Likely benign. Review status: criteria provided, multiple submitters, no conflicts (2 of 4 stars). 15 submissions from 11 submitters: Benign (13); Likely benign (1). 1 of the submissions does not count toward it. Last evaluated 2026-05-12.

Conditions:
Jackson-Weiss syndrome (JWS). Also called: CRANIOSYNOSTOSIS, MIDFACIAL HYPOPLASIA, AND FOOT ABNORMALITIES. Identifiers: Orphanet 1540, MedGen C0795998, MONDO:0007400, OMIM 123150. Disease mechanism: loss of function.
Acrocephalosyndactyly type I (ACS1). Also called: Acrocephalo-syndactyly type 1; ACS 1; Syndactylic oxycephaly; Apert syndrome. Identifiers: Orphanet 87, MedGen C0001193, MONDO:0007041, OMIM 101200.
Gastric cancer. Also called: Stomach cancer; Malignant tumor of stomach. Identifiers: MedGen C0024623, MeSH D013274, MONDO:0001056, OMIM 613659, HP:0012126.
Levy-Hollister syndrome (LADD). Also called: LADD syndrome. Identifiers: Orphanet 2363, MedGen C0265269, MONDO:0007872.
Antley-Bixler syndrome without genital anomalies or disordered steroidogenesis (ABS2). Also called: Antley-Bixler Syndrome, Autosomal Dominant; MULTISYNOSTOTIC OSTEODYSGENESIS WITH LONG BONE FRACTURES; Trapezoidocephaly synostosis syndrome; Osteodysgenesis, multisynostotic with fractures. Identifiers: Orphanet 596008, Orphanet 83, MedGen C2936791, MONDO:0020667, OMIM 207410.
Pfeiffer syndrome (ACS5). Also called: ACS V. Identifiers: Orphanet 710, MedGen C0220658, MONDO:0007043, OMIM 101600.
Crouzon syndrome. Also called: Craniofacial dysostosis type 1; CRANIOFACIAL DYSOSTOSIS, TYPE I; Craniofacial dysostosis; Crouzon craniofacial dysostosis; Crouzon disease. Identifiers: Orphanet 207, MedGen C0010273, MeSH D003394, MONDO:0007405, OMIM 123500, HP:0004439.
Saethre-Chotzen syndrome (SCS). Also called: ACROCEPHALY, SKULL ASYMMETRY, AND MILD SYNDACTYLY; ACS III; CHOTZEN SYNDROME. Identifiers: Orphanet 794, MedGen C0175699, MONDO:0007042, OMIM 101400.
Familial scaphocephaly syndrome, McGillivray type. Also called: SCAPHOCEPHALY, MAXILLARY RETRUSION, AND IMPAIRED INTELLECTUAL DEVELOPMENT. Identifiers: Orphanet 168624, MedGen C1865070, MONDO:0012307, OMIM 609579.
Bent bone dysplasia syndrome 1 (BBDS1). Also called: FGFR2-related bent bone dysplasia. Identifiers: Orphanet 313855, MedGen C3281247, MONDO:0013815, OMIM 614592.
Beare-Stevenson cutis gyrata syndrome (BSTVS). Identifiers: Orphanet 1555, MedGen C1852406, MONDO:0007412, OMIM 123790.
FGFR2-related craniosynostosis. Identifiers: MedGen CN231480.
Craniosynostosis syndrome. Also called: Craniosynostosis. Identifiers: Orphanet 1531, MedGen C0010278, MeSH D003398, MONDO:0015469, HP:0001363.
Isolated Coronal Synostosis. Identifiers: MedGen CN043619.

Allele frequency attached by ClinVar (database versions not stated): 1000 Genomes Project 30x 0.00562; ESP Exome Variant Server 0.00008; gnomAD 0.00250 and 0.00267; TOPMed 0.00334; 1000 Genomes Project 0.00559.
gnomAD v4.1: 3,367 of 1,614,156 alleles (0.21%); highest among the groups gnomAD compares: Admixed American, 4%; 71 homozygotes.

Submissions (15):

Women's Health and Genetics/Laboratory Corporation of America, LabCorp
Classification: Likely benign. Last evaluated: 2026-05-12. Review status: criteria provided, single submitter. Criteria: LabCorp Variant Classification Summary - May 2015. Collection method: clinical testing. Allele origin: germline.

Labcorp Genetics (formerly Invitae), Labcorp
Classification: Benign for FGFR2-related craniosynostosis. Last evaluated: 2026-02-01. Review status: criteria provided, single submitter. Criteria: Invitae Variant Classification Sherloc (09022015). Collection method: clinical testing. Allele origin: germline.

CeGaT Center for Human Genetics Tuebingen
Classification: Benign. Last evaluated: 2025-06-01. Review status: criteria provided, single submitter. Criteria: CeGaT Center For Human Genetics Tuebingen Variant Classification Criteria Version 2. Collection method: clinical testing. Allele origin: germline. Affected: yes. Observed: 1 variant allele.
Comment: FGFR2: BP4, BS1, BS2

ARUP Laboratories, Molecular Genetics and Genomics, ARUP Laboratories
Classification: Benign. Last evaluated: 2024-08-01. Review status: criteria provided, single submitter. Criteria: ARUP Molecular Germline Variant Investigation Process 2024. Collection method: clinical testing. Allele origin: germline.

Fulgent Genetics
Classification: Benign for Acrocephalosyndactyly type I; Saethre-Chotzen syndrome; Pfeiffer syndrome; Jackson-Weiss syndrome; Crouzon syndrome; Beare-Stevenson cutis gyrata syndrome; LADD syndrome 1; Antley-Bixler syndrome without genital anomalies or disordered steroidogenesis; Familial scaphocephaly syndrome, McGillivray type; Gastric cancer; Bent bone dysplasia syndrome 1. Last evaluated: 2022-04-16. Review status: criteria provided, single submitter. Criteria: ACMG Guidelines, 2015. Collection method: clinical testing. Allele origin: unknown.

Athena Diagnostics
Classification: Benign. Last evaluated: 2019-02-20. Review status: criteria provided, single submitter. Criteria: Athena Diagnostics Criteria. Collection method: clinical testing. Allele origin: germline.

GeneDx
Classification: Benign. Last evaluated: 2017-10-30. Review status: criteria provided, single submitter. Criteria: GeneDx Variant Classification (06012015). Collection method: clinical testing. Allele origin: germline. Affected: yes.
Comment: This variant is considered likely benign or benign based on one or more of the following criteria: it is a conservative change, it occurs at a poorly conserved position in the protein, it is predicted to be benign by multiple in silico algorithms, and/or has population frequency not consistent with disease.

Illumina Laboratory Services, Illumina
Classification: Benign for Beare-Stevenson cutis gyrata syndrome. Last evaluated: 2017-04-27. Review status: criteria provided, single submitter. Criteria: ICSL Variant Classification Criteria 13 December 2019. Collection method: clinical testing. Allele origin: germline.
Comment: This variant was observed as part of a predisposition screen in an ostensibly healthy population. A literature search was performed for the gene, cDNA change, and amino acid change (where applicable). No publications were found based on this search. Allele frequency data from public databases was too high to be consistent with this variant causing disease. Therefore, this variant is classified as benign.

Illumina Laboratory Services, Illumina
Classification: Benign for Crouzon syndrome. Last evaluated: 2017-04-27. Review status: criteria provided, single submitter. Criteria: ICSL Variant Classification Criteria 13 December 2019. Collection method: clinical testing. Allele origin: germline.
Comment: the same text as in the submission from Illumina Laboratory Services, Illumina above.

Illumina Laboratory Services, Illumina
Classification: Benign for Isolated coronal synostosis. Last evaluated: 2017-04-27. Review status: criteria provided, single submitter. Criteria: ICSL Variant Classification Criteria 13 December 2019. Collection method: clinical testing. Allele origin: germline.
Comment: the same text as in the submission from Illumina Laboratory Services, Illumina above.

Illumina Laboratory Services, Illumina
Classification: Benign for Craniosynostosis. Last evaluated: 2017-04-27. Review status: criteria provided, single submitter. Criteria: ICSL Variant Classification Criteria 13 December 2019. Collection method: clinical testing. Allele origin: germline.
Comment: the same text as in the submission from Illumina Laboratory Services, Illumina above.

Illumina Laboratory Services, Illumina
Classification: Benign for Saethre-Chotzen syndrome. Last evaluated: 2017-04-27. Review status: criteria provided, single submitter. Criteria: ICSL Variant Classification Criteria 13 December 2019. Collection method: clinical testing. Allele origin: germline.
Comment: the same text as in the submission from Illumina Laboratory Services, Illumina above.

Eurofins Ntd Llc (ga)
Classification: Benign. Last evaluated: 2015-01-26. Review status: criteria provided, single submitter. Criteria: EGL Classification Definitions 2015. Collection method: clinical testing. Allele origin: germline. Observed: 1 variant allele, 1 heterozygote.

Breakthrough Genomics
Classification: Benign. Review status: criteria provided, single submitter. Criteria: ACMG Guidelines, 2015. Collection method: not provided. Allele origin: germline. Inheritance: Autosomal dominant inheritance. Affected: yes.

ITMI
No classification provided. Condition: AllHighlyPenetrant. Last evaluated: 2013-09-19. Review status: no classification provided. Collection method: reference population. Allele origin: germline. Not counted in ClinVar's aggregate classification.
Comment: Please see associated publication for description of ethnicities

Literature cited by the submitters: PubMed 24728327 (cited by ITMI).

NM_000141.5(FGFR2):c.17G>C (p.Arg6Pro)

Gene: FGFR2 (fibroblast growth factor receptor 2; minus strand). Cytogenetic location: 10q26.13.
Variant type: single nucleotide variant.
Coding change: c.17G>C on transcript NM_000141.5 (MANE Select); coding-DNA position 17, G replaced by C.
Protein change: p.Arg6Pro; replaces arginine 6 with proline.
Molecular consequence: missense variant. On other transcripts: non-coding transcript variant (1).
Genome position (GRCh38, 1-based): chr10:121,593,801, C>G on the plus strand (G>C on the coding strand, the complement: FGFR2 is on the minus strand). VCF-style: chr10-121593801-C-G. GRCh37 (hg19) VCF-style: chr10-123353315-C-G.
Other names: c.17G>C, p.Arg6Pro (NM_001144913.1, NM_001144914.1, NM_001144915.2 and 7 more transcripts); short protein forms R6P.
Identifiers: ClinVar variation 134386 (VCV000134386.40), dbSNP rs3750819, ClinGen allele CA159662.